The following is an entry in ClinVar:

ClinVar aggregate classification (germline): Likely benign. Review status: criteria provided, multiple submitters, no conflicts (2 of 4 stars). 3 submissions from 3 submitters: Likely benign (2). 1 of the submissions does not count toward it. Last evaluated 2023-02-01.

Allele frequency attached by ClinVar (database versions not stated): 1000 Genomes Project 0.00140; 1000 Genomes Project 30x 0.00141; ESP Exome Variant Server 0.00306; TOPMed 0.00321; gnomAD 0.00371 and 0.00375; ExAC 0.00383; gnomAD exomes 0.00396 and 0.00459.
gnomAD v4.1: 7,217 of 1,613,714 alleles (0.45%); highest among the groups gnomAD compares: Non-Finnish European, 0.51%; 25 homozygotes.

Submissions (3):

CeGaT Center for Human Genetics Tuebingen
Classification: Likely benign. Last evaluated: 2023-02-01. Review status: criteria provided, single submitter. Criteria: CeGaT Center For Human Genetics Tuebingen Variant Classification Criteria Version 2. Collection method: clinical testing. Allele origin: germline. Affected: yes. Observed: 1 variant allele.
Comment: PTPN13: BP4, BS2

Breakthrough Genomics
Classification: Likely benign. Review status: criteria provided, single submitter. Criteria: ACMG Guidelines, 2015. Collection method: not provided. Allele origin: germline. Inheritance: Unknown mechanism. Affected: yes.

Department of Pathology and Laboratory Medicine, Sinai Health System
Classification: Likely benign. Review status: no assertion criteria provided. Collection method: clinical testing. Allele origin: unknown. Affected: yes. Study: The Canadian Open Genetics Repository (COGR). Not counted in ClinVar's aggregate classification.
Comment: The PTPN13 p.Trp1274Cys variant was not identified in the literature nor was it identified in ClinVar. The variant was identified in dbSNP (ID: rs201633051) and in control databases in 1034 of 265786 chromosomes (5 homozygous) at a frequency of 0.00389 increasing the likelihood this could be a low frequency benign variant (Genome Aggregation Database March 6, 2019, v2.1.1). The variant was observed in the following populations: European (Finnish) in 152 of 25002 chromosomes (freq: 0.00608), European (non-Finnish) in 625 of 117182 chromosomes (freq: 0.005334), Other in 29 of 6616 chromosomes (freq: 0.004383), South Asian in 106 of 30506 chromosomes (freq: 0.003475), Latino in 100 of 35012 chromosomes (freq: 0.002856), African in 15 of 22826 chromosomes (freq: 0.000657), Ashkenazi Jewish in 5 of 9836 chromosomes (freq: 0.000508), and East Asian in 2 of 18806 chromosomes (freq: 0.000106). Although the p.Trp1274 residue is not conserved in mammals and other organisms, computational analyses (PolyPhen-2, SIFT, AlignGVGD, BLOSUM, MutationTaster) suggest that the variant may impact the protein. The variant occurs outside of the splicing consensus sequence and 1 of 4 in silico or computational prediction software programs (SpliceSiteFinder, MaxEntScan, NNSPLICE, GeneSplicer) predict a greater than 10% difference in splicing; this is not very predictive of pathogenicity. In summary, based on the above information the clinical significance of this variant cannot be determined with certainty at this time although we would lean towards a more benign role for this variant. This variant is classified as likely benign.

NM_080683.3(PTPN13):c.3822G>T (p.Trp1274Cys)

Gene: PTPN13 (protein tyrosine phosphatase non-receptor type 13; plus strand). Cytogenetic location: 4q21.3.
Variant type: single nucleotide variant.
Coding change: c.3822G>T on transcript NM_080683.3 (MANE Select); coding-DNA position 3822, G replaced by T.
Protein change: p.Trp1274Cys; replaces tryptophan 1274 with cysteine.
Molecular consequence: missense variant.
Genome position (GRCh38, 1-based): chr4:86,762,995, G>T. VCF-style: chr4-86762995-G-T. GRCh37 (hg19) VCF-style: chr4-87684148-G-T.
Other names: c.3765G>T, p.Trp1255Cys (NM_006264.3); c.3249G>T, p.Trp1083Cys (NM_080684.3); c.3822G>T, p.Trp1274Cys (NM_080685.3); short protein forms W1083C, W1255C, W1274C.
Identifiers: ClinVar variation 1049142 (VCV001049142.26), dbSNP rs201633051, ClinGen allele CA2996310.